The following is an entry in ClinVar:

NC_000001.10:g.(?_237433777)_(237532928_?)del

Gene: RYR2 (ryanodine receptor 2; plus strand). Cytogenetic location: 1q43.
Variant type: Deletion.
Identifiers: ClinVar variation 1410039 (VCV001410039.2).

ClinVar aggregate classification (germline): Uncertain significance (1 of 4 stars; one submission).

Conditions:
Catecholaminergic polymorphic ventricular tachycardia (CVPT). Also called: Catecholamine-induced polymorphic ventricular tachycardia. Identifiers: Orphanet 3286, MedGen C5574922, MONDO:0017990.

Submission:

Labcorp Genetics (formerly Invitae), Labcorp
Classification: Uncertain significance for Catecholaminergic polymorphic ventricular tachycardia 1. Last evaluated: 2021-07-31. Review status: criteria provided, single submitter. Criteria: Invitae Variant Classification Sherloc (09022015). Collection method: clinical testing. Allele origin: germline.
Comment: This variant is a gross deletion of the genomic region encompassing exon(s) 2-6 of the RYR2 gene. This variant would be expected to be in-frame, preserving the integrity of the reading frame. This variant has not been reported in the literature in individuals affected with RYR2-related conditions. Experimental studies and prediction algorithms are not available or were not evaluated, and the functional significance of this variant is currently unknown. In summary, the available evidence is currently insufficient to determine the role of this variant in disease. Therefore, it has been classified as a Variant of Uncertain Significance.